The following is an entry in ClinVar:

ClinVar aggregate classification (germline): Uncertain significance (1 of 4 stars; one submission).

Submission:

Labcorp Genetics (formerly Invitae), Labcorp
Classification: Uncertain significance. Last evaluated: 2022-12-15. Review status: criteria provided, single submitter. Criteria: Invitae Variant Classification Sherloc (09022015). Collection method: clinical testing. Allele origin: germline.
Comment: Advanced modeling of protein sequence and biophysical properties (such as structural, functional, and spatial information, amino acid conservation, physicochemical variation, residue mobility, and thermodynamic stability) performed at Invitae indicates that this missense variant is expected to disrupt CACNA1E protein function. In summary, the available evidence is currently insufficient to determine the role of this variant in disease. Therefore, it has been classified as a Variant of Uncertain Significance. This variant has not been reported in the literature in individuals affected with CACNA1E-related conditions. This variant is not present in population databases (gnomAD no frequency). This sequence change replaces isoleucine, which is neutral and non-polar, with asparagine, which is neutral and polar, at codon 149 of the CACNA1E protein (p.Ile149Asn).

NM_001205293.3(CACNA1E):c.446T>A (p.Ile149Asn)

Gene: CACNA1E (calcium voltage-gated channel subunit alpha1 E; plus strand). Cytogenetic location: 1q25.3.
Variant type: single nucleotide variant.
Coding change: c.446T>A on transcript NM_001205293.3 (MANE Select); coding-DNA position 446, T replaced by A.
Protein change: p.Ile149Asn; replaces isoleucine 149 with asparagine.
Molecular consequence: missense variant.
Genome position (GRCh38, 1-based): chr1:181,511,444, T>A. VCF-style: chr1-181511444-T-A. GRCh37 (hg19) VCF-style: chr1-181480580-T-A.
Other names: c.446T>A, p.Ile149Asn (NM_000721.4, NM_001205294.2); short protein forms I149N.
Identifiers: ClinVar variation 2821279 (VCV002821279.3), dbSNP rs2526621021, ClinGen allele CA343846265.